The following is an entry in ClinVar:

ClinVar aggregate classification (germline): Uncertain significance (1 of 4 stars; one submission).

Conditions:
MEGF10-related myopathy (CMYO10A). Also called: Congenital myopathy 10A, severe variant. Identifiers: Orphanet 439212, MedGen C3280679, MONDO:0013731, OMIM 614399.

Allele frequency attached by ClinVar (database versions not stated): gnomAD exomes below 0.00001.
gnomAD v4.1: 2 of 1,613,980 alleles (0.00012%); highest among the groups gnomAD compares: East Asian, 0.0022%; no homozygotes.

Submission:

Labcorp Genetics (formerly Invitae), Labcorp
Classification: Uncertain significance for MEGF10-related myopathy. Last evaluated: 2021-07-28. Review status: criteria provided, single submitter. Criteria: Invitae Variant Classification Sherloc (09022015). Collection method: clinical testing. Allele origin: germline.
Comment: In summary, the available evidence is currently insufficient to determine the role of this variant in disease. Therefore, it has been classified as a Variant of Uncertain Significance. Algorithms developed to predict the effect of missense changes on protein structure and function (SIFT, PolyPhen-2, Align-GVGD) all suggest that this variant is likely to be disruptive, but these predictions have not been confirmed by published functional studies and their clinical significance is uncertain. This variant has not been reported in the literature in individuals with MEGF10-related conditions. This variant is not present in population databases (ExAC no frequency). This sequence change replaces proline with leucine at codon 269 of the MEGF10 protein (p.Pro269Leu). The proline residue is highly conserved and there is a moderate physicochemical difference between proline and leucine.

NM_001256545.2(MEGF10):c.806C>T (p.Pro269Leu)

Gene: MEGF10 (multiple EGF like domains 10; plus strand). Cytogenetic location: 5q23.2.
Variant type: single nucleotide variant.
Coding change: c.806C>T on transcript NM_001256545.2 (MANE Select); coding-DNA position 806, C replaced by T.
Protein change: p.Pro269Leu; replaces proline 269 with leucine.
Molecular consequence: missense variant.
Genome position (GRCh38, 1-based): chr5:127,402,571, C>T. VCF-style: chr5-127402571-C-T. GRCh37 (hg19) VCF-style: chr5-126738263-C-T.
Other names: c.806C>T, p.Pro269Leu (NM_001308119.2, NM_001308121.2, NM_032446.3); short protein forms P269L.
Identifiers: ClinVar variation 1491384 (VCV001491384.8), dbSNP rs1427203192, ClinGen allele CA360722228.